The following is an entry in ClinVar:

ClinVar aggregate classification (germline): Uncertain significance. Review status: criteria provided, multiple submitters, no conflicts (2 of 4 stars). 2 submissions from 2 submitters: Uncertain significance (2). Last evaluated 2022-12-19.

Conditions:
Hereditary cancer-predisposing syndrome. Also called: Neoplastic Syndromes, Hereditary; Hereditary neoplastic syndrome; Tumor predisposition; Hereditary Cancer Syndrome. Identifiers: Orphanet 140162, MedGen C0027672, MeSH D009386, MONDO:0015356.

Submissions (2):

Quest Diagnostics Nichols Institute San Juan Capistrano
Classification: Uncertain significance. Last evaluated: 2022-12-19. Review status: criteria provided, single submitter. Criteria: Quest Diagnostics criteria. Collection method: clinical testing. Allele origin: unknown.
Comment: This variant has not been reported in the published literature. It also has not been reported in large, multi-ethnic general populations. Analysis of this variant using software algorithms for the prediction of the effect of nucleotide changes on splicing yielded predictions that this variant does not affect RAD51D mRNA splicing . Based on the available information, we are unable to determine the clinical significance of this variant.

Ambry Genetics
Classification: Uncertain significance for Hereditary cancer-predisposing syndrome. Last evaluated: 2022-11-08. Review status: criteria provided, single submitter. Criteria: Ambry Variant Classification Scheme 2023. Collection method: clinical testing. Allele origin: germline.
Comment: The c.668-3C>T intronic variant results from a C to T substitution 3 nucleotides upstream from coding exon 8 in the RAD51D gene. This nucleotide position is well conserved in available vertebrate species. In silico splice site analysis predicts that this alteration will not have any significant effect on splicing. Since supporting evidence is limited at this time, the clinical significance of this alteration remains unclear.

NM_002878.4(RAD51D):c.668-3C>T

Genes: RAD51D (RAD51 paralog D; minus strand), RAD51L3-RFFL (RAD51L3-RFFL readthrough; minus strand). Cytogenetic location: 17q12.
Variant type: single nucleotide variant.
Coding change: c.668-3C>T on transcript NM_002878.4 (MANE Select); 3 bases into the intron before coding-DNA position 668, C replaced by T.
Molecular consequence: intron variant.
Genome position (GRCh38, 1-based): chr17:35,103,327, G>A on the plus strand (C>T on the coding strand, the complement: RAD51D is on the minus strand). VCF-style: chr17-35103327-G-A. GRCh37 (hg19) VCF-style: chr17-33430346-G-A.
Other names: c.332-3C>T (NM_133629.3); c.728-3C>T (NM_001142571.2).
Identifiers: ClinVar variation 2496864 (VCV002496864.3), dbSNP rs2142418884, ClinGen allele CA2580093468.